The following is an entry in ClinVar:

NM_001060.6(TBXA2R):c.133G>T (p.Ala45Ser)

Gene: TBXA2R (thromboxane A2 receptor; minus strand). Cytogenetic location: 19p13.3.
Variant type: single nucleotide variant.
Coding change: c.133G>T on transcript NM_001060.6 (MANE Select); coding-DNA position 133, G replaced by T.
Protein change: p.Ala45Ser; replaces alanine 45 with serine.
Molecular consequence: missense variant.
Genome position (GRCh38, 1-based): chr19:3,600,502, C>A on the plus strand (G>T on the coding strand, the complement: TBXA2R is on the minus strand). VCF-style: chr19-3600502-C-A. GRCh37 (hg19) VCF-style: chr19-3600500-C-A.
Other names: c.133G>T, p.Ala45Ser (NM_201636.3); short protein forms A45S.
Identifiers: ClinVar variation 3363408 (VCV003363408.1).
Genomic context (GRCh38, chr19:3,600,502, plus strand): 5'-TGAGGAAGGAGGAGCGCGTGTGCGAACCCCCCTGCCGCGCGCCCGCCAGCACGCTCAGGG[C>A]CAGCAGGTTGGAGGCCAGGCCCACCACGCAGAAGGAGGCGGCGAACCAGGGCGAGGCGAT-3'
Protein context (NP_001051.1, residues 35-55): CVVGLASNLL[Ala45Ser]LSVLAGARQG

ClinVar aggregate classification (germline): Uncertain significance (1 of 4 stars; one submission).

Submission:

GeneDx
Classification: Uncertain significance. Last evaluated: 2023-10-23. Review status: criteria provided, single submitter. Criteria: GeneDx Variant Classification Process June 2021. Collection method: clinical testing. Allele origin: germline. Affected: yes.
Comment: Not observed at significant frequency in large population cohorts (gnomAD); In silico analysis supports that this missense variant has a deleterious effect on protein structure/function; Has not been previously published as pathogenic or benign to our knowledge